The following is an entry in ClinVar:

NM_020987.5(ANK3):c.148C>T (p.Arg50Ter)

Gene: ANK3 (ankyrin 3; minus strand). Cytogenetic location: 10q21.2.
Variant type: single nucleotide variant.
Coding change: c.148C>T on transcript NM_020987.5 (MANE Select); coding-DNA position 148, C replaced by T.
Protein change: p.Arg50Ter; replaces arginine 50 with a stop codon.
Molecular consequence: nonsense.
Genome position (GRCh38, 1-based): chr10:60,279,606, G>A on the plus strand (C>T on the coding strand, the complement: ANK3 is on the minus strand). VCF-style: chr10-60279606-G-A. GRCh37 (hg19) VCF-style: chr10-62039364-G-A.
Other names: c.130C>T, p.Arg44Ter (NM_001204403.2); c.97C>T, p.Arg33Ter (NM_001204404.2); c.148C>T, p.Arg50Ter (NM_001320874.2); short protein forms R44*, R50*, R33*.
Identifiers: ClinVar variation 423280 (VCV000423280.5), dbSNP rs1064796340, ClinGen allele CA16618964.

ClinVar aggregate classification (germline): Conflicting classifications of pathogenicity. Review status: criteria provided, conflicting classifications (1 of 4 stars). 2 submissions from 2 submitters: Likely pathogenic (1); Uncertain significance (1). Last evaluated 2019-09-12.

Conditions:
Intellectual developmental disorder, autosomal recessive 37. Also called: Intellectual disability-hypotonia-spasticity-sleep disorder syndrome. Identifiers: Orphanet 356996, MedGen C3809672, MONDO:0014210, OMIM 615493.

Allele frequency attached by ClinVar (database versions not stated): gnomAD exomes below 0.00001.
gnomAD v4.1: 1 of 1,611,840 alleles (0.000062%); highest among the groups gnomAD compares: Non-Finnish European, 0.000085%; no homozygotes.

Submissions (2):

GeneDx
Classification: Likely pathogenic. Last evaluated: 2019-09-12. Review status: criteria provided, single submitter. Criteria: GeneDx Variant Classification Process June 2021. Collection method: clinical testing. Allele origin: germline. Affected: yes.
Comment: Nonsense variant predicted to result in protein truncation or nonsense mediated decay in a gene for which loss-of-function is a known mechanism of disease; Not observed in large population cohorts (Lek et al., 2016); Has not been previously published as pathogenic or benign to our knowledge

Fulgent Genetics
Classification: Uncertain significance for Intellectual developmental disorder, autosomal recessive 37. Last evaluated: 2018-10-31. Review status: criteria provided, single submitter. Criteria: ACMG Guidelines, 2015. Collection method: clinical testing. Allele origin: unknown.